The following is an entry in ClinVar:

ClinVar aggregate classification (germline): Uncertain significance (1 of 4 stars; one submission).

gnomAD v4.1: 1 of 1,608,772 alleles (0.000062%); no homozygotes.

Submission:

Labcorp Genetics (formerly Invitae), Labcorp
Classification: Uncertain significance. Last evaluated: 2024-09-28. Review status: criteria provided, single submitter. Criteria: Invitae Variant Classification Sherloc (09022015). Collection method: clinical testing. Allele origin: germline.
Comment: This sequence change replaces proline, which is neutral and non-polar, with serine, which is neutral and polar, at codon 40 of the IMPG1 protein (p.Pro40Ser). This variant is not present in population databases (gnomAD no frequency). This variant has not been reported in the literature in individuals affected with IMPG1-related conditions. An algorithm developed to predict the effect of missense changes on protein structure and function outputs the following: PolyPhen-2: "Benign". The serine amino acid residue is found in multiple mammalian species, which suggests that this missense change does not adversely affect protein function. In summary, the available evidence is currently insufficient to determine the role of this variant in disease. Therefore, it has been classified as a Variant of Uncertain Significance.

NM_001563.4(IMPG1):c.118C>T (p.Pro40Ser)

Gene: IMPG1 (interphotoreceptor matrix proteoglycan 1; minus strand). Cytogenetic location: 6q14.1.
Variant type: single nucleotide variant.
Coding change: c.118C>T on transcript NM_001563.4 (MANE Select); coding-DNA position 118, C replaced by T.
Protein change: p.Pro40Ser; replaces proline 40 with serine.
Molecular consequence: missense variant. On other transcripts: intron variant (1).
Genome position (GRCh38, 1-based): chr6:76,042,076, G>A on the plus strand (C>T on the coding strand, the complement: IMPG1 is on the minus strand). VCF-style: chr6-76042076-G-A. GRCh37 (hg19) VCF-style: chr6-76751793-G-A.
Other names: c.68-7289C>T (NM_001282368.2); short protein forms P40S.
Identifiers: ClinVar variation 3657855 (VCV003657855.2).